The following is an entry in ClinVar:

NM_016123.4(IRAK4):c.795G>A (p.Met265Ile)

Gene: IRAK4 (interleukin 1 receptor associated kinase 4; plus strand). Cytogenetic location: 12q12.
Variant type: single nucleotide variant.
Coding change: c.795G>A on transcript NM_016123.4 (MANE Select); coding-DNA position 795, G replaced by A.
Protein change: p.Met265Ile; replaces methionine 265 with isoleucine.
Molecular consequence: missense variant.
Genome position (GRCh38, 1-based): chr12:43,777,708, G>A. VCF-style: chr12-43777708-G-A. GRCh37 (hg19) VCF-style: chr12-44171511-G-A.
Other names: c.795G>A, p.Met265Ile (NM_001114182.3, NM_001351345.2); c.423G>A, p.Met141Ile (NM_001145256.2, NM_001145257.2, NM_001145258.2 and 5 more transcripts); c.186G>A, p.Met62Ile (NM_001351343.2, NM_001351344.2); short protein forms M141I, M265I, M62I.
Identifiers: ClinVar variation 2853053 (VCV002853053.3), dbSNP rs2540459085, ClinGen allele CA384474546.

ClinVar aggregate classification (germline): Uncertain significance (1 of 4 stars; one submission).

Conditions:
Immunodeficiency 67. Also called: Immunodeficiency due to interleukin-1 receptor-associated kinase-4 deficiency. Identifiers: Orphanet 70592, MedGen C1843256, MONDO:0011888, OMIM 607676.

Submission:

Labcorp Genetics (formerly Invitae), Labcorp
Classification: Uncertain significance for Immunodeficiency 67. Last evaluated: 2023-04-07. Review status: criteria provided, single submitter. Criteria: Invitae Variant Classification Sherloc (09022015). Collection method: clinical testing. Allele origin: germline.
Comment: In summary, the available evidence is currently insufficient to determine the role of this variant in disease. Therefore, it has been classified as a Variant of Uncertain Significance. This sequence change replaces methionine, which is neutral and non-polar, with isoleucine, which is neutral and non-polar, at codon 265 of the IRAK4 protein (p.Met265Ile). This variant is not present in population databases (gnomAD no frequency). This variant has not been reported in the literature in individuals affected with IRAK4-related conditions. Advanced modeling of protein sequence and biophysical properties (such as structural, functional, and spatial information, amino acid conservation, physicochemical variation, residue mobility, and thermodynamic stability) performed at Invitae indicates that this missense variant is not expected to disrupt IRAK4 protein function.